The following is an entry in ClinVar:

ClinVar aggregate classification (germline): Uncertain significance. Review status: criteria provided, multiple submitters, no conflicts (2 of 4 stars). 3 submissions from 3 submitters: Uncertain significance (2). 1 of the submissions does not count toward it. Last evaluated 2024-10-14.

Conditions:
Glycogen storage disease type III (GSD3). Also called: Cori disease; FORBES DISEASE. Identifiers: Orphanet 366, MedGen C0017922, MONDO:0009291, OMIM 232400.

Allele frequency attached by ClinVar (database versions not stated): gnomAD exomes below 0.00001.
gnomAD v4.1: 1 of 1,588,990 alleles (0.000063%); highest among the groups gnomAD compares: Non-Finnish European, 0.000086%; no homozygotes.

Submissions (3):

GeneDx
Classification: Uncertain significance. Last evaluated: 2024-10-14. Review status: criteria provided, single submitter. Criteria: GeneDx Variant Classification Process June 2021. Collection method: clinical testing. Allele origin: germline. Affected: yes.
Comment: Not observed at significant frequency in large population cohorts (gnomAD); In silico analysis supports a deleterious effect on splicing; Has not been previously published as pathogenic or benign to our knowledge

Labcorp Genetics (formerly Invitae), Labcorp
Classification: Uncertain significance for Glycogen storage disease type III. Last evaluated: 2022-06-22. Review status: criteria provided, single submitter. Criteria: Invitae Variant Classification Sherloc (09022015). Collection method: clinical testing. Allele origin: germline.
Comment: This sequence change falls in intron 31 of the AGL gene. It does not directly change the encoded amino acid sequence of the AGL protein. It affects a nucleotide within the consensus splice site. This variant is not present in population databases (gnomAD no frequency). This variant has been observed in individual(s) with clinical features of glycogen storage disease type III (Invitae). ClinVar contains an entry for this variant (Variation ID: 863931). Variants that disrupt the consensus splice site are a relatively common cause of aberrant splicing (PMID: 17576681, 9536098). Algorithms developed to predict the effect of sequence changes on RNA splicing suggest that this variant may disrupt the consensus splice site. In summary, the available evidence is currently insufficient to determine the role of this variant in disease. Therefore, it has been classified as a Variant of Uncertain Significance.

Natera, Inc.
Classification: Uncertain significance for Glycogen storage disease type III. Last evaluated: 2020-01-17. Review status: no assertion criteria provided. Collection method: clinical testing. Allele origin: germline. Not counted in ClinVar's aggregate classification.

Literature cited by the submitters: PubMed 17576681 (cited by Labcorp Genetics (formerly Invitae), Labcorp); PubMed 9536098 (cited by Labcorp Genetics (formerly Invitae), Labcorp).

NM_000642.3(AGL):c.4259+3A>T

Gene: AGL (amylo-alpha-1,6-glucosidase and 4-alpha-glucanotransferase; plus strand). Cytogenetic location: 1p21.2.
Variant type: single nucleotide variant.
Coding change: c.4259+3A>T on transcript NM_000642.3 (MANE Select); 3 bases into the intron after coding-DNA position 4259, A replaced by T.
Molecular consequence: intron variant.
Genome position (GRCh38, 1-based): chr1:99,915,489, A>T. VCF-style: chr1-99915489-A-T. GRCh37 (hg19) VCF-style: chr1-100381045-A-T.
Other names: c.4259+3A>T (NM_000643.3, NM_000644.3, NM_001425325.1 and 1 more transcripts); c.4211+3A>T (NM_000646.3); c.4238+3A>T (NM_001425326.1); c.4058+3A>T (NM_001425327.1); c.4055+3A>T (NM_001425328.1); c.3920+3A>T (NM_001425329.1); c.3881+3A>T (NM_001425332.1).
Identifiers: ClinVar variation 863931 (VCV000863931.6), dbSNP rs1655048891, ClinGen allele CA916082076.